The following is an entry in ClinVar:

NM_145200.5(CABP4):c.493C>G (p.Pro165Ala)

Gene: CABP4 (calcium binding protein 4; plus strand). Cytogenetic location: 11q13.2.
Variant type: single nucleotide variant.
Coding change: c.493C>G on transcript NM_145200.5 (MANE Select); coding-DNA position 493, C replaced by G.
Protein change: p.Pro165Ala; replaces proline 165 with alanine.
Molecular consequence: missense variant.
Genome position (GRCh38, 1-based): chr11:67,456,394, C>G. VCF-style: chr11-67456394-C-G. GRCh37 (hg19) VCF-style: chr11-67223865-C-G.
Other names: c.178C>G, p.Pro60Ala (NM_001300895.3, NM_001300896.3, NM_001379183.1); short protein forms P165A, P60A.
Identifiers: ClinVar variation 1716030 (VCV001716030.5), dbSNP rs937718472, ClinGen allele CA381530486.
Genomic context (GRCh38, chr11:67,456,394, plus strand): 5'-CGTGACGGCTACATCAGCCACCGGGAGCTGGGTGACTGCATGCGGACCCTGGGCTACATG[C>G]CCACCGAGATGGAGCTCCTGGAGGTCTCGCAGCACATCAAGATGCGCAGTCAGTCAGGGA-3'
Protein context (NP_660201.1, residues 155-175): GDCMRTLGYM[Pro165Ala]TEMELLEVSQ

ClinVar aggregate classification (germline): Uncertain significance (1 of 4 stars; one submission).

Submission:

Labcorp Genetics (formerly Invitae), Labcorp
Classification: Uncertain significance. Last evaluated: 2022-08-10. Review status: criteria provided, single submitter. Criteria: Invitae Variant Classification Sherloc (09022015). Collection method: clinical testing. Allele origin: germline.
Comment: In summary, the available evidence is currently insufficient to determine the role of this variant in disease. Therefore, it has been classified as a Variant of Uncertain Significance. Algorithms developed to predict the effect of missense changes on protein structure and function are either unavailable or do not agree on the potential impact of this missense change (SIFT: "Tolerated"; PolyPhen-2: "Probably Damaging"; Align-GVGD: "Class C0"). This variant has not been reported in the literature in individuals affected with CABP4-related conditions. This variant is not present in population databases (gnomAD no frequency). This sequence change replaces proline, which is neutral and non-polar, with alanine, which is neutral and non-polar, at codon 165 of the CABP4 protein (p.Pro165Ala).